The following is an entry in ClinVar:

NM_022051.3(EGLN1):c.562C>A (p.Leu188Met)

Gene: EGLN1 (egl-9 family hypoxia inducible factor 1; minus strand). Cytogenetic location: 1q42.2.
Variant type: single nucleotide variant.
Coding change: c.562C>A on transcript NM_022051.3 (MANE Select); coding-DNA position 562, C replaced by A.
Protein change: p.Leu188Met; replaces leucine 188 with methionine.
Molecular consequence: missense variant.
Genome position (GRCh38, 1-based): chr1:231,421,327, G>T on the plus strand (C>A on the coding strand, the complement: EGLN1 is on the minus strand). VCF-style: chr1-231421327-G-T. GRCh37 (hg19) VCF-style: chr1-231557073-G-T.
Other names: c.562C>A, p.Leu188Met (NM_001377260.1, NM_001377261.1); short protein forms L188M.
Identifiers: ClinVar variation 3274755 (VCV003274755.2).
Genomic context (GRCh38, chr1:231,421,327, plus strand): 5'-AGATGCCGTGCTTGTTCATGCACGGCACGATGTACTCGAGCGCCAGCTTCAGCGCCGGCA[G>T]GGGCTTCGTCTGCCCGTTGGGCCGCAGGCCGCCGCCGGGGCTCAGCGCATCCCCGGGCGT-3'
Protein context (NP_071334.1, residues 178-198): GLRPNGQTKP[Leu188Met]PALKLALEYI

ClinVar aggregate classification (germline): Uncertain significance. Review status: criteria provided, multiple submitters, no conflicts (2 of 4 stars). 2 submissions from 2 submitters: Uncertain significance (2). Last evaluated 2025-10-07.

Conditions:
Erythrocytosis, familial, 3 (ECYT3). Identifiers: Orphanet 247511, MedGen C1853286, MONDO:0012353, OMIM 609820.

Submissions (2):

Labcorp Genetics (formerly Invitae), Labcorp
Classification: Uncertain significance for Erythrocytosis, familial, 3. Last evaluated: 2025-10-07. Review status: criteria provided, single submitter. Criteria: Invitae Variant Classification Sherloc (09022015). Collection method: clinical testing. Allele origin: germline.
Comment: This sequence change replaces leucine, which is neutral and non-polar, with methionine, which is neutral and non-polar, at codon 188 of the EGLN1 protein (p.Leu188Met). This variant is not present in population databases (gnomAD no frequency). This variant has not been reported in the literature in individuals affected with EGLN1-related conditions. ClinVar contains an entry for this variant (Variation ID: 3274755). An algorithm developed to predict the effect of missense changes on protein structure and function (PolyPhen-2) suggests that this variant is likely to be tolerated. In summary, the available evidence is currently insufficient to determine the role of this variant in disease. Therefore, it has been classified as a Variant of Uncertain Significance.

Ambry Genetics
Classification: Uncertain significance. Last evaluated: 2024-04-23. Review status: criteria provided, single submitter. Criteria: Ambry Variant Classification Scheme 2023. Collection method: clinical testing. Allele origin: germline.
Comment: The p.L188M variant (also known as c.562C>A), located in coding exon 1 of the EGLN1 gene, results from a C to A substitution at nucleotide position 562. The leucine at codon 188 is replaced by methionine, an amino acid with highly similar properties. This amino acid position is conserved. In addition, this alteration is predicted to be tolerated by in silico analysis. Based on the available evidence, the clinical significance of this variant remains unclear.